The following is an entry in ClinVar:

NM_002528.7(NTHL1):c.659del (p.Val220fs)

Gene: NTHL1 (nth like DNA glycosylase 1; minus strand). Cytogenetic location: 16p13.3.
Variant type: Deletion.
Coding change: c.659del on transcript NM_002528.7 (MANE Select); coding-DNA position 659, one base deleted (T; older notation c.659delT).
Protein change: p.Val220fs; shifts the reading frame from valine 220.
Molecular consequence: frameshift variant.
Genome position (GRCh38, 1-based): chr16:2,043,593, A deleted on the plus strand (T on the coding strand, the reverse complement: NTHL1 is on the minus strand). VCF-style (leftmost placement, unchanged base first): chr16-2043592-CA-C. GRCh37 (hg19) VCF-style: chr16-2093593-CA-C.
Other names: c.488del, p.Val163fs (NM_001318193.2); c.329del, p.Val110fs (NM_001318194.2); short protein forms V110fs, V220fs, V163fs.
Identifiers: ClinVar variation 2700738 (VCV002700738.3), dbSNP rs2548315004, ClinGen allele CA2697549538.

ClinVar aggregate classification (germline): Pathogenic (1 of 4 stars; one submission).

Submission:

Labcorp Genetics (formerly Invitae), Labcorp
Classification: Pathogenic. Last evaluated: 2023-12-04. Review status: criteria provided, single submitter. Criteria: Invitae Variant Classification Sherloc (09022015). Collection method: clinical testing. Allele origin: germline.
Comment: This sequence change creates a premature translational stop signal (p.Val228Glyfs*22) in the NTHL1 gene. It is expected to result in an absent or disrupted protein product. Loss-of-function variants in NTHL1 are known to be pathogenic (PMID: 25938944, 26559593). This variant is not present in population databases (gnomAD no frequency). This variant has not been reported in the literature in individuals affected with NTHL1-related conditions. For these reasons, this variant has been classified as Pathogenic.

Literature cited by the submitters: PubMed 25938944; PubMed 26559593.